The following is an entry in ClinVar:

NM_018685.5(ANLN):c.1636G>A (p.Val546Met)

Gene: ANLN (anillin, actin binding protein; plus strand). Cytogenetic location: 7p14.2.
Variant type: single nucleotide variant.
Coding change: c.1636G>A on transcript NM_018685.5 (MANE Select); coding-DNA position 1636, G replaced by A.
Protein change: p.Val546Met; replaces valine 546 with methionine.
Molecular consequence: missense variant. On other transcripts: splice acceptor variant (1).
Genome position (GRCh38, 1-based): chr7:36,419,246, G>A. VCF-style: chr7-36419246-G-A. GRCh37 (hg19) VCF-style: chr7-36458855-G-A.
Other names: c.1525G>A, p.Val509Met (NM_001284301.3); c.1523-1G>A (NM_001284302.3); short protein forms V509M, V546M.
Identifiers: ClinVar variation 3902915 (VCV003902915.2).

ClinVar aggregate classification (germline): Uncertain significance (1 of 4 stars; one submission).

gnomAD v4.1: 1 of 1,609,922 alleles (0.000062%); highest among the groups gnomAD compares: African/African-American, 0.0013%; no homozygotes.

Submission:

GeneDx
Classification: Uncertain significance. Last evaluated: 2026-08-26. Review status: criteria provided, single submitter. Criteria: GeneDx Variant Classification Process June 2021. Collection method: clinical testing. Allele origin: germline.
Comment: Not observed at significant frequency in large population cohorts (gnomAD); In silico analysis suggests that this missense variant does not alter protein structure/function; Has not been previously published as pathogenic or benign to our knowledge